The following is an entry in ClinVar:

NM_002067.5(GNA11):c.321+9G>A

Gene: GNA11 (G protein subunit alpha 11; plus strand). Cytogenetic location: 19p13.3.
Variant type: single nucleotide variant.
Coding change: c.321+9G>A on transcript NM_002067.5 (MANE Select); 9 bases into the intron after coding-DNA position 321, G replaced by A.
Molecular consequence: intron variant.
Genome position (GRCh38, 1-based): chr19:3,110,342, G>A. VCF-style: chr19-3110342-G-A. GRCh37 (hg19) VCF-style: chr19-3110340-G-A.
Other names: p.?.
Identifiers: ClinVar variation 708703 (VCV000708703.23), dbSNP rs143987260, ClinGen allele CA9074787.
Genomic context (GRCh38, chr19:3,110,342, plus strand): 5'-GATCCGGGCCATGGAGACGCTCAAGATCCTCTACAAGTACGAGCAGAACAAGGTGAGCCC[G>A]CGGGCGCCTGGGGAGGGGAGCGCCTGGGCAGCTGTGGGCTTGGTGGTGAGCATGGTGGCC-3'

ClinVar aggregate classification (germline): Benign/Likely benign. Review status: criteria provided, multiple submitters, no conflicts (2 of 4 stars). 5 submissions from 5 submitters: Benign (3); Likely benign (2). Last evaluated 2026-01-31.

Allele frequency attached by ClinVar (database versions not stated): 1000 Genomes Project 30x 0.00250; 1000 Genomes Project 0.00280; TOPMed 0.00497; gnomAD 0.00560 and 0.00567; ESP Exome Variant Server 0.00584; ExAC 0.00606; gnomAD exomes 0.00615 and 0.00711.
gnomAD v4.1: 11,093 of 1,603,308 alleles (0.69%); highest among the groups gnomAD compares: Non-Finnish European, 0.81%; 50 homozygotes.

Submissions (5):

Labcorp Genetics (formerly Invitae), Labcorp
Classification: Benign. Last evaluated: 2026-01-31. Review status: criteria provided, single submitter. Criteria: Invitae Variant Classification Sherloc (09022015). Collection method: clinical testing. Allele origin: germline.

Center for Genomic Medicine, Rigshospitalet, Copenhagen University Hospital
Classification: Likely benign. Last evaluated: 2025-03-04. Review status: criteria provided, single submitter. Criteria: ACMG Guidelines, 2015. Collection method: clinical testing. Allele origin: germline.

Blueprint Genetics
Classification: Likely benign. Last evaluated: 2024-11-28. Review status: criteria provided, single submitter. Criteria: ACMG Guidelines, 2015. Collection method: clinical testing. Allele origin: germline.

Mayo Clinic Laboratories, Mayo Clinic
Classification: Benign. Last evaluated: 2024-03-15. Review status: criteria provided, single submitter. Criteria: ACMG Guidelines, 2015. Collection method: clinical testing. Allele origin: germline. Observed: 2 variant alleles.
Comment: BA1, BS2, BP4, BP7

Genetic Services Laboratory, University of Chicago
Classification: Benign. Last evaluated: 2018-04-24. Review status: criteria provided, single submitter. Criteria: ACMG Guidelines, 2015. Collection method: clinical testing. Allele origin: germline. Affected: no.